The following is an entry in ClinVar:

NM_013275.6(ANKRD11):c.5549A>T (p.Tyr1850Phe)

Gene: ANKRD11 (ankyrin repeat domain 11; minus strand). Cytogenetic location: 16q24.3.
Variant type: single nucleotide variant.
Coding change: c.5549A>T on transcript NM_013275.6 (MANE Select); coding-DNA position 5549, A replaced by T.
Protein change: p.Tyr1850Phe; replaces tyrosine 1850 with phenylalanine.
Molecular consequence: missense variant.
Genome position (GRCh38, 1-based): chr16:89,280,993, T>A on the plus strand (A>T on the coding strand, the complement: ANKRD11 is on the minus strand). VCF-style: chr16-89280993-T-A. GRCh37 (hg19) VCF-style: chr16-89347401-T-A.
Other names: c.5549A>T, p.Tyr1850Phe (NM_001256182.2, NM_001256183.2); short protein forms Y1850F.
Identifiers: ClinVar variation 2647066 (VCV002647066.24), dbSNP rs2544227462, ClinGen allele CA397153747.

ClinVar aggregate classification (germline): Uncertain significance (1 of 4 stars; one submission).

Submission:

CeGaT Center for Human Genetics Tuebingen
Classification: Uncertain significance. Last evaluated: 2023-02-01. Review status: criteria provided, single submitter. Criteria: CeGaT Center For Human Genetics Tuebingen Variant Classification Criteria Version 2. Collection method: clinical testing. Allele origin: germline. Affected: yes. Observed: 1 variant allele.
Comment: ANKRD11: PM2, BP4